The following is an entry in ClinVar:

NM_181872.6(DMRT2):c.571G>T (p.Ala191Ser)

Gene: DMRT2 (doublesex and mab-3 related transcription factor 2; plus strand). Cytogenetic location: 9p24.3.
Variant type: single nucleotide variant.
Coding change: c.571G>T on transcript NM_181872.6 (MANE Select); coding-DNA position 571, G replaced by T.
Protein change: p.Ala191Ser; replaces alanine 191 with serine.
Molecular consequence: missense variant. On other transcripts: 5 prime UTR variant (1), non-coding transcript variant (1).
Genome position (GRCh38, 1-based): chr9:1,053,767, G>T. VCF-style: chr9-1053767-G-T. GRCh37 (hg19) VCF-style: chr9-1053767-G-T.
Other names: c.571G>T, p.Ala191Ser (NM_001130865.3, NM_001370531.1, NM_001370533.1 and 4 more transcripts); c.49G>T, p.Ala17Ser (NM_001370532.1); c.-129G>T (NM_001387560.1); short protein forms A191S, A17S.
Identifiers: ClinVar variation 1489864 (VCV001489864.6), dbSNP rs781279164, ClinGen allele CA4962340.
Genomic context (GRCh38, chr9:1,053,767, plus strand): 5'-TTCTTGTGTTTACAGGACAAGAAGGGGCTTTCCGGGAAACAGAATAATTTCGAGCGCAAA[G>T]CTGTGTACCAGAGGCAAGTCAGAGCCCCCAGTTTGCTGGCCAAAAGCATTTTAGAAGGTA-3'
Protein context (NP_870987.2, residues 181-201): SGKQNNFERK[Ala191Ser]VYQRQVRAPS

ClinVar aggregate classification (germline): Uncertain significance (1 of 4 stars; one submission).

Allele frequency attached by ClinVar (database versions not stated): ExAC 0.00001; gnomAD 0.00001; TOPMed 0.00002.
gnomAD v4.1: 88 of 1,614,014 alleles (0.0055%); highest among the groups gnomAD compares: Non-Finnish European, 0.0072%; no homozygotes.

Submission:

Labcorp Genetics (formerly Invitae), Labcorp
Classification: Uncertain significance. Last evaluated: 2024-10-17. Review status: criteria provided, single submitter. Criteria: Invitae Variant Classification Sherloc (09022015). Collection method: clinical testing. Allele origin: germline.
Comment: This sequence change replaces alanine, which is neutral and non-polar, with serine, which is neutral and polar, at codon 191 of the DMRT2 protein (p.Ala191Ser). This variant is present in population databases (rs781279164, gnomAD 0.002%). This variant has not been reported in the literature in individuals affected with DMRT2-related conditions. ClinVar contains an entry for this variant (Variation ID: 1489864). An algorithm developed to predict the effect of missense changes on protein structure and function (PolyPhen-2) suggests that this variant is likely to be tolerated. In summary, the available evidence is currently insufficient to determine the role of this variant in disease. Therefore, it has been classified as a Variant of Uncertain Significance.